The following is an entry in ClinVar:

NM_000489.6(ATRX):c.2731A>C (p.Lys911Gln)

Gene: ATRX (ATRX chromatin remodeler; minus strand). Cytogenetic location: Xq21.1.
Variant type: single nucleotide variant.
Coding change: c.2731A>C on transcript NM_000489.6 (MANE Select); coding-DNA position 2731, A replaced by C.
Protein change: p.Lys911Gln; replaces lysine 911 with glutamine.
Molecular consequence: missense variant.
Genome position (GRCh38, 1-based): chrX:77,682,525, T>G on the plus strand (A>C on the coding strand, the complement: ATRX is on the minus strand). VCF-style: chrX-77682525-T-G. GRCh37 (hg19) VCF-style: chrX-76938017-T-G.
Other names: c.2617A>C, p.Lys873Gln (NM_138270.5); short protein forms K873Q, K911Q.
Identifiers: ClinVar variation 2420416 (VCV002420416.6), dbSNP rs2071275124, ClinGen allele CA413710795.

ClinVar aggregate classification (germline): Uncertain significance. Review status: criteria provided, multiple submitters, no conflicts (2 of 4 stars). 2 submissions from 2 submitters: Uncertain significance (2). Last evaluated 2024-02-22.

Conditions:
Alpha thalassemia-X-linked intellectual disability syndrome (ATRX). Also called: ALPHA-THALASSEMIA/MENTAL RETARDATION SYNDROME, X-LINKED; ATR, NONDELETION TYPE; ATR-X syndrome; Alpha thalassemia mental retardation syndrome, nondeletion type, X-linked; XLMR hypotonic face syndrome; X-linked alpha-thalassemia-mental retardation syndrome. Identifiers: Orphanet 847, MedGen C1845055, MONDO:0010519, OMIM 301040.

Allele frequency attached by ClinVar (database versions not stated): gnomAD exomes below 0.00001.
gnomAD v4.1: 1 of 1,211,483 alleles (0.000083%); highest among the groups gnomAD compares: Non-Finnish European, 0.00011%; no homozygotes.

Submissions (2):

Revvity Omics, Revvity
Classification: Uncertain significance. Last evaluated: 2024-02-22. Review status: criteria provided, single submitter. Criteria: ACMG Guidelines, 2015. Collection method: clinical testing. Allele origin: germline.

Labcorp Genetics (formerly Invitae), Labcorp
Classification: Uncertain significance for Alpha thalassemia-X-linked intellectual disability syndrome. Last evaluated: 2022-10-27. Review status: criteria provided, single submitter. Criteria: Invitae Variant Classification Sherloc (09022015). Collection method: clinical testing. Allele origin: germline.
Comment: This sequence change replaces lysine, which is basic and polar, with glutamine, which is neutral and polar, at codon 911 of the ATRX protein (p.Lys911Gln). This variant is not present in population databases (gnomAD no frequency). This variant has not been reported in the literature in individuals affected with ATRX-related conditions. Advanced modeling of protein sequence and biophysical properties (such as structural, functional, and spatial information, amino acid conservation, physicochemical variation, residue mobility, and thermodynamic stability) performed at Invitae indicates that this missense variant is not expected to disrupt ATRX protein function. In summary, the available evidence is currently insufficient to determine the role of this variant in disease. Therefore, it has been classified as a Variant of Uncertain Significance.